The following is an entry in ClinVar:

NM_003280.3(TNNC1):c.53A>C (p.Asn18Thr)

Gene: TNNC1 (troponin C1, slow skeletal and cardiac type; minus strand). Cytogenetic location: 3p21.1.
Variant type: single nucleotide variant.
Coding change: c.53A>C on transcript NM_003280.3 (MANE Select); coding-DNA position 53, A replaced by C.
Protein change: p.Asn18Thr; replaces asparagine 18 with threonine.
Molecular consequence: missense variant.
Genome position (GRCh38, 1-based): chr3:52,452,485, T>G on the plus strand (A>C on the coding strand, the complement: TNNC1 is on the minus strand). VCF-style: chr3-52452485-T-G. GRCh37 (hg19) VCF-style: chr3-52486501-T-G.
Other names: short protein forms N18T.
Identifiers: ClinVar variation 1747287 (VCV001747287.3), dbSNP rs1706343846, ClinGen allele CA353169851.

ClinVar aggregate classification (germline): Uncertain significance. Review status: criteria provided, multiple submitters, no conflicts (2 of 4 stars). 2 submissions from 2 submitters: Uncertain significance (2). Last evaluated 2025-11-10.

Conditions:
Hypertrophic cardiomyopathy 13. Also called: TNNC1-Related Familial Hypertrophic Cardiomyopathy. Identifiers: MedGen C2750472, MONDO:0013195, OMIM 613243.
Dilated cardiomyopathy 1Z (CMD1Z). Identifiers: Orphanet 154, MedGen C2678475, MONDO:0012745, OMIM 611879.
Cardiovascular phenotype. Identifiers: MedGen CN230736.

Submissions (2):

Labcorp Genetics (formerly Invitae), Labcorp
Classification: Uncertain significance for Hypertrophic cardiomyopathy 13; Dilated cardiomyopathy 1Z. Last evaluated: 2025-11-10. Review status: criteria provided, single submitter. Criteria: Invitae Variant Classification Sherloc (09022015). Collection method: clinical testing. Allele origin: germline.
Comment: This sequence change replaces asparagine, which is neutral and polar, with threonine, which is neutral and polar, at codon 18 of the TNNC1 protein (p.Asn18Thr). This variant is not present in population databases (gnomAD no frequency). This variant has not been reported in the literature in individuals affected with TNNC1-related conditions. ClinVar contains an entry for this variant (Variation ID: 1747287). An algorithm developed to predict the effect of missense changes on protein structure and function (PolyPhen-2) suggests that this variant is likely to be tolerated. In summary, the available evidence is currently insufficient to determine the role of this variant in disease. Therefore, it has been classified as a Variant of Uncertain Significance.

Ambry Genetics
Classification: Uncertain significance for Cardiovascular phenotype. Last evaluated: 2020-06-15. Review status: criteria provided, single submitter. Criteria: Ambry Variant Classification Scheme 2023. Collection method: clinical testing. Allele origin: germline.
Comment: The p.N18T variant (also known as c.53A>C), located in coding exon 2 of the TNNC1 gene, results from an A to C substitution at nucleotide position 53. The asparagine at codon 18 is replaced by threonine, an amino acid with similar properties. This amino acid position is highly conserved in available vertebrate species. In addition, the in silico prediction for this alteration is inconclusive. Since supporting evidence is limited at this time, the clinical significance of this alteration remains unclear.